The following is an entry in ClinVar:

ClinVar aggregate classification (germline): Uncertain significance (1 of 4 stars; one submission).

Conditions:
Hereditary spastic paraplegia 7 (SPG7). Also called: SPG7-related neurologic disorder; Spastic paraplegia 7; Hereditary spastic paraplegia Paraplegin type; Autosomal recessive spastic paraplegia type 7; SPASTIC PARAPLEGIA 7, AUTOSOMAL RECESSIVE, WITH OR WITHOUT CEREBELLAR ATAXIA. Identifiers: Orphanet 99013, MedGen C1846564, MONDO:0011803, OMIM 607259.

Allele frequency attached by ClinVar (database versions not stated): gnomAD 0.00001; TOPMed 0.00001.

Submission:

Labcorp Genetics (formerly Invitae), Labcorp
Classification: Uncertain significance for Hereditary spastic paraplegia 7. Last evaluated: 2019-07-02. Review status: criteria provided, single submitter. Criteria: Invitae Variant Classification Sherloc (09022015). Collection method: clinical testing. Allele origin: germline.
Comment: This sequence change replaces glycine with serine at codon 14 of the SPG7 protein (p.Gly14Ser). The glycine residue is weakly conserved and there is a small physicochemical difference between glycine and serine. The frequency data for this variant in the population databases is considered unreliable, as metrics indicate insufficient coverage at this position in the ExAC database. This variant has not been reported in the literature in individuals with SPG7-related conditions. Algorithms developed to predict the effect of missense changes on protein structure and function output the following: SIFT: "Tolerated"; PolyPhen-2: "Not Available"; Align-GVGD: "Class C0". The serine amino acid residue is found in multiple mammalian species, suggesting that this missense change does not adversely affect protein function. These predictions have not been confirmed by published functional studies and their clinical significance is uncertain. In summary, the available evidence is currently insufficient to determine the role of this variant in disease. Therefore, it has been classified as a Variant of Uncertain Significance.

NM_003119.4(SPG7):c.40G>A (p.Gly14Ser)

Genes: SPG7 (SPG7 matrix AAA peptidase subunit, paraplegin; plus strand), LOC130059818 (ATAC-STARR-seq lymphoblastoid silent region 7911; plus strand). Cytogenetic location: 16q24.3.
Variant type: single nucleotide variant.
Coding change: c.40G>A on transcript NM_003119.4 (MANE Select); coding-DNA position 40, G replaced by A.
Protein change: p.Gly14Ser; replaces glycine 14 with serine.
Molecular consequence: missense variant.
Genome position (GRCh38, 1-based): chr16:89,508,457, G>A. VCF-style: chr16-89508457-G-A. GRCh37 (hg19) VCF-style: chr16-89574865-G-A.
Other names: c.40G>A, p.Gly14Ser (NM_001363850.1, NM_199367.3); short protein forms G14S.
Identifiers: ClinVar variation 933441 (VCV000933441.10), dbSNP rs1242380690, ClinGen allele CA397415871.